The following is an entry in ClinVar:

ClinVar aggregate classification (germline): Uncertain significance (1 of 4 stars; one submission).

Conditions:
Epidermodysplasia verruciformis. Identifiers: Orphanet 302, MedGen C0014522, MONDO:0009176.

Allele frequency attached by ClinVar (database versions not stated): gnomAD exomes below 0.00001 and 0.00001; gnomAD 0.00001; TOPMed 0.00001.
gnomAD v4.1: 5 of 1,612,696 alleles (0.00031%); highest among the groups gnomAD compares: African/African-American, 0.0013%; no homozygotes.

Submission:

Labcorp Genetics (formerly Invitae), Labcorp
Classification: Uncertain significance for Epidermodysplasia verruciformis. Last evaluated: 2022-04-13. Review status: criteria provided, single submitter. Criteria: Invitae Variant Classification Sherloc (09022015). Collection method: clinical testing. Allele origin: germline.
Comment: This sequence change replaces phenylalanine, which is neutral and non-polar, with leucine, which is neutral and non-polar, at codon 469 of the TMC8 protein (p.Phe469Leu). This variant is present in population databases (no rsID available, gnomAD 0.0009%). This variant has not been reported in the literature in individuals affected with TMC8-related conditions. Algorithms developed to predict the effect of missense changes on protein structure and function are either unavailable or do not agree on the potential impact of this missense change (SIFT: "Deleterious"; PolyPhen-2: "Probably Damaging"; Align-GVGD: "Class C15"). In summary, the available evidence is currently insufficient to determine the role of this variant in disease. Therefore, it has been classified as a Variant of Uncertain Significance.

NM_152468.5(TMC8):c.1405T>C (p.Phe469Leu)

Gene: TMC8 (transmembrane channel like 8; plus strand). Cytogenetic location: 17q25.3.
Variant type: single nucleotide variant.
Coding change: c.1405T>C on transcript NM_152468.5 (MANE Select); coding-DNA position 1405, T replaced by C.
Protein change: p.Phe469Leu; replaces phenylalanine 469 with leucine.
Molecular consequence: missense variant.
Genome position (GRCh38, 1-based): chr17:78,138,060, T>C. VCF-style: chr17-78138060-T-C. GRCh37 (hg19) VCF-style: chr17-76134141-T-C.
Other names: short protein forms F469L.
Identifiers: ClinVar variation 1478056 (VCV001478056.3), dbSNP rs1371007530, ClinGen allele CA401250432.